The following continues an entry in ClinVar:

NM_007294.4(BRCA1):c.53T>C (p.Met18Thr)

Gene: BRCA1. ClinVar aggregate classification (germline): Pathogenic. Pathogenic (1).

Submissions 12 to 23 of 23:

Women's Health and Genetics/Laboratory Corporation of America, LabCorp
Classification: Pathogenic for Hereditary breast ovarian cancer syndrome. Last evaluated: 2021-01-07. Review status: criteria provided, single submitter. Criteria: LabCorp Variant Classification Summary - May 2015. Collection method: clinical testing. Allele origin: germline. Not counted in ClinVar's aggregate classification.
Comment: Variant summary: BRCA1 c.53T>C (p.Met18Thr) results in a non-conservative amino acid change located in the Zinc finger, RING-type domain of the encoded protein sequence. Five of five in-silico tools predict a damaging effect of the variant on protein function. The variant was absent in 254472 control chromosomes (ACMG, PM2). c.53T>C has been reported in the literature in multiple individuals affected with Hereditary Breast And Ovarian Cancer Syndrome (ACMG, PS4). These data indicate that the variant is very likely to be associated with disease. In functional analyses, multiple studies have reported deleterious effects of the variant, including centrosome amplification, defective BRCA1-mediated homologous repair, defective double-strand break repair, and defective homology-directed recombination (HDR) (Kais_2013, Parvin_2011, Ransburgh_2010, Towler_2013) (ACMG, PS3). In addition, multifactorial probability models have predicted the variant to be likely pathogenic or pathogenic (Lindor_2012, Easton_2007, Parsons_2019). Six submitters including an expert panel have submitted clinical-significance assessments for this variant to ClinVar after 2014 without evidence for independent evaluation. All laboratories classified the variant as pathogenic/likely pathogenic. Based on the evidence outlined above, the variant was classified as pathogenic.

Laboratory for Molecular Medicine, Mass General Brigham Personalized Medicine
Classification: Likely pathogenic for Hereditary breast ovarian cancer syndrome. Last evaluated: 2019-10-14. Review status: criteria provided, single submitter. Criteria: ACMG Guidelines, 2015. Collection method: clinical testing. Allele origin: germline. Not counted in ClinVar's aggregate classification.
Comment: The p.Met18Thr variant in BRCA1 has been reported at least 6 individuals with BRCA1-related cancers and segregated with disease in at least 2 affected relatives from 2 families (Malone 1998, Van Orsouew 1999, Mohammadi 2009). It was absent from large population studies, but has been reported in ClinVar (Variation ID: 37664). Computational prediction tools and conservation analyses are consistent with pathogenicity. In vitro functional studies are conflicting as to the effect of this variant on protein function (Ruffner 2001, Easteron 2007, Sarkar 2008, Millot 2011, Ransburgh 2010, Parvin 2011, Kais 2012, Lindor 2012, Bouwman 2013, Towler 2013, Whiley 2014, Starita 2016, Thouvenot 2016, Findlay 2018); however, these types of assays may not accurately represent biological function. In summary, although additional studies are required to fully establish its clinical significance, this variant meets criteria to be classified as likely pathogenic for autosomal dominant hereditary breast and ovarian cancer. ACMG/AMP Criteria applied: PM2, PS4_Moderate, PP3, PS3_Supporting.

Cancer Variant Interpretation Group UK, Institute of Cancer Research, London
Classification: Pathogenic for Hereditary Breast and Ovarian Cancer. Last evaluated: 2019-02-14. Review status: criteria provided, single submitter. Criteria: ACMG Guidelines, 2015. Collection method: clinical testing. Allele origin: germline. Affected: yes. Observed: 7 variant alleles. Not counted in ClinVar's aggregate classification.
Comment: Data included in classification: The variant was observed in 7 independent UK families undergoing clinical diagnostic testing, the denominator of which dataset of clinical testing was 25,773. Case control comparison against ethnically matched population data (7/25,773 in familial cases against 0/56,696 GNOMAD NFE controls pexact= 0.00029 (PS4_VS). The variant is absent in the remainder of the GNOMAD populations (68,846 individuals) (PM2_mod). Non-functional in SGE haploid BRCA1-assay (Findlay et al. 2018) (PS3_strong). Classified as Likely Pathogenic by Ambry 2018, Gene Dx 2014, Counsyl 2018 Color LP 2018 (PP5_sup). Data not included in classification: Predicted deleterious on SIFT and Align GVGD. Predicted benign on Polyphen HumVar. There are additional reports of this variant in ClinVar (5), BIC (3) and BRCA1 LOVD (11), UMD(7), DMuDB(7).

GeneDx
Classification: Likely pathogenic. Last evaluated: 2018-08-18. Review status: criteria provided, single submitter. Criteria: GeneDx Variant Classification (06012015). Collection method: clinical testing. Allele origin: germline. Affected: yes. Not counted in ClinVar's aggregate classification.
Comment: This variant is denoted BRCA1 c.53T>C at the cDNA level, p.Met18Thr (M18T) at the protein level, and results in the change of a Methionine to a Threonine (ATG>ACG). Using alternate nomenclature, this variant would be defined as BRCA1 172T>C. BRCA1 Met18Thr has been observed in multiple individuals with breast or ovarian cancer, including male breast cancer (Langston 1996, Greenman1998, Malone 1998, van Orsouw 1999), and was reported to segregate with disease in two kindreds (Mohammadi 2009). This variant was predicted by Lindor et al. (2012) to likely be pathogenic based on tumor pathology, clinical histories, family studies, and co-occurrence with deleterious variants. Functional studies have found discordant results with respect to ubiquitin ligase activity and BARD1 binding, but have revealed impaired homology-directed repair activity, increased centrosome amplification, and loss of ability to rescue cell growth (Ruffner 2001, Morris 2004, Morris 2006, Sarkar 2008, Ransburgh 2010, Parvin 2011, Kais 2012, Bouwman 2013, Towler 2013, Starita 2015). BRCA1 Met18Thr was not observed in large population cohorts (Lek 2016). This variant is located in the RING domain and a region that binds BRD7 and BARD1 (Narod 2004, Borg 2010, Harte 2010, Paul 2014). In silico analysis, which includes protein predictors and evolutionary conservation, supports a deleterious effect. Based on the currently available information, we consider BRCA1 Met18Thr to be a likely pathogenic variant.

BRCAlab, Lund University
Classification: Pathogenic for Breast-ovarian cancer, familial, susceptibility to, 1. Last evaluated: 2022-08-26. Review status: no assertion criteria provided. Collection method: clinical testing. Allele origin: germline. Affected: yes. Not counted in ClinVar's aggregate classification.

Counsyl
Classification: Likely pathogenic for Breast-ovarian cancer, familial, susceptibility to, 1. Last evaluated: 2018-02-23. Review status: no assertion criteria provided. Collection method: clinical testing. Allele origin: unknown. Not counted in ClinVar's aggregate classification.

Sharing Clinical Reports Project (SCRP)
Classification: Likely pathogenic for Breast-ovarian cancer, familial 1. Last evaluated: 2011-04-01. Review status: no assertion criteria provided. Collection method: clinical testing. Allele origin: germline. Not counted in ClinVar's aggregate classification.

Breast Cancer Information Core (BIC) (BRCA1)
Classification: Uncertain significance for Breast-ovarian cancer, familial 1. Last evaluated: 1999-03-24. Review status: no assertion criteria provided. Collection method: clinical testing. Allele origin: germline. Affected: yes. Observed: 4 variant alleles. Not counted in ClinVar's aggregate classification.

Brotman Baty Institute, University of Washington
No classification provided (evidence only). Condition: Breast-ovarian cancer, familial 1. Review status: no classification provided. Collection method: in vitro. Allele origin: not applicable. Functional consequence: functionally_abnormal. Not counted in ClinVar's aggregate classification.
ClinVar note: "not provided" was previously submitted as the classification for the variant. However, the classification appeared to be based only on an observation of functional data so it was converted to no classification on 2025-07-30.

Diagnostic Laboratory, Department of Genetics, University Medical Center Groningen
Classification: Pathogenic. Review status: no assertion criteria provided. Collection method: clinical testing. Allele origin: germline. Affected: yes. Study: VKGL Data-share Consensus. Not counted in ClinVar's aggregate classification.

Genome Diagnostics Laboratory, University Medical Center Utrecht
Classification: Likely pathogenic. Review status: no assertion criteria provided. Collection method: clinical testing. Allele origin: germline. Affected: yes. Study: VKGL Data-share Consensus. Not counted in ClinVar's aggregate classification.

Joint Genome Diagnostic Labs from Nijmegen and Maastricht, Radboudumc and MUMC+
Classification: Pathogenic. Review status: no assertion criteria provided. Collection method: clinical testing. Allele origin: germline. Affected: yes. Study: VKGL Data-share Consensus. Not counted in ClinVar's aggregate classification.

Literature cited by the submitters: PubMed 31131967 (cited by 4 submitters); PubMed 8531967 (cited by 6 submitters); PubMed 9523200 (cited by 6 submitters); PubMed 10528853 (cited by 7 submitters); PubMed 19563646 (cited by 4 submitters); PubMed 20103620 (cited by 7 submitters); PubMed 21372787 (cited by 4 submitters); PubMed 23867111 (cited by 7 submitters); PubMed 24489791 (cited by 4 submitters); PubMed 25893891 (cited by 3 submitters); PubMed 30078507 (cited by 3 submitters); PubMed 30209399 (cited by 4 submitters); PubMed 30219179 (cited by Color Diagnostics, LLC DBA Color Health); PubMed 31853058 (cited by Color Diagnostics, LLC DBA Color Health); PubMed 40413188 (cited by Color Diagnostics, LLC DBA Color Health); PubMed 11320250 (cited by 5 submitters); PubMed 17924331 (cited by 5 submitters); PubMed 21725363 (cited by 6 submitters); PubMed 21922593 (cited by 3 submitters); PubMed 21990134 (cited by 5 submitters); PubMed 23161852 (cited by 5 submitters); PubMed 25823446 (cited by 4 submitters); PubMed 27272900 (cited by Ambry Genetics and Labcorp Genetics (formerly Invitae), Labcorp); PubMed 36367610 (cited by Ambry Genetics); PubMed 9544766 (cited by 5 submitters); PubMed 16683254 (cited by Labcorp Genetics (formerly Invitae), Labcorp); PubMed 28888541 (cited by Labcorp Genetics (formerly Invitae), Labcorp); PubMed 31907386 (cited by Labcorp Genetics (formerly Invitae), Labcorp); PubMed 33087888 (cited by Quest Diagnostics Nichols Institute San Juan Capistrano); PubMed 33654310 (cited by Quest Diagnostics Nichols Institute San Juan Capistrano); PubMed 33471991 (cited by Quest Diagnostics Nichols Institute San Juan Capistrano); PubMed 10469836 (cited by Women's Health and Genetics/Laboratory Corporation of America, LabCorp); PubMed 19629655 (cited by Women's Health and Genetics/Laboratory Corporation of America, LabCorp); PubMed 16267036 (cited by Women's Health and Genetics/Laboratory Corporation of America, LabCorp); PubMed 22753008 (cited by Women's Health and Genetics/Laboratory Corporation of America, LabCorp); PubMed 10717622 (cited by Women's Health and Genetics/Laboratory Corporation of America, LabCorp and Counsyl); PubMed 20167696 (cited by Women's Health and Genetics/Laboratory Corporation of America, LabCorp); PubMed 18403564 (cited by Women's Health and Genetics/Laboratory Corporation of America, LabCorp); PubMed 18493658 (cited by Laboratory for Molecular Medicine, Mass General Brigham Personalized Medicine).